The following is an entry in ClinVar:

ClinVar aggregate classification (germline): Uncertain significance. Review status: criteria provided, multiple submitters, no conflicts (2 of 4 stars). 5 submissions from 5 submitters: Uncertain significance (3). 2 of the submissions do not count toward it. Last evaluated 2021-08-18.

Conditions:
Hypertrophic cardiomyopathy 9. Also called: Familial hypertrophic cardiomyopathy 9. Identifiers: MedGen C1861065, MONDO:0013412, OMIM 613765.
Tibial muscular dystrophy (TMD). Also called: Tibial muscular dystrophy, tardive; UDD MYOPATHY; Udd Distal Myopathy – Tibial Muscular Dystrophy. Identifiers: Orphanet 609, MedGen C1838244, MONDO:0010870, OMIM 600334.
Myopathy, myofibrillar, 9, with early respiratory failure (MFM9). Also called: MYOPATHY, PROXIMAL, WITH EARLY RESPIRATORY MUSCLE INVOLVEMENT; Myopathy, distal, with early respiratory failure, autosomal dominant; Hereditary myopathy with early respiratory failure; EDSTROM MYOPATHY. Identifiers: Orphanet 178464, Orphanet 34521, MedGen C1863599, MONDO:0011362, OMIM 603689.
Early-onset myopathy with fatal cardiomyopathy (CMYO5). Also called: CONGENITAL MYOPATHY 5 WITH CARDIOMYOPATHY; Salih Myopathy. Identifiers: Orphanet 289377, MedGen C2673677, MONDO:0012714, OMIM 611705. Disease mechanism: loss of function.
Dilated cardiomyopathy 1G (CMD1G). Identifiers: Orphanet 154, MedGen C1858763, MONDO:0011400, OMIM 604145.
Autosomal recessive limb-girdle muscular dystrophy type 2J (LGMDR10). Also called: Limb-girdle muscular dystrophy, type 2J; MUSCULAR DYSTROPHY, LIMB-GIRDLE, AUTOSOMAL RECESSIVE 10. Identifiers: Orphanet 140922, MedGen C1837342, MONDO:0012127, OMIM 608807.

Allele frequency attached by ClinVar (database versions not stated): TOPMed 0.00004.
gnomAD v4.1: 47 of 1,612,856 alleles (0.0029%); highest among the groups gnomAD compares: Non-Finnish European, 0.0037%; no homozygotes.

Submissions (5):

Fulgent Genetics
Classification: Uncertain significance for Tibial muscular dystrophy; Myopathy, myofibrillar, 9, with early respiratory failure; Dilated cardiomyopathy 1G; Autosomal recessive limb-girdle muscular dystrophy type 2J; Early-onset myopathy with fatal cardiomyopathy; Hypertrophic cardiomyopathy 9. Last evaluated: 2021-08-18. Review status: criteria provided, single submitter. Criteria: ACMG Guidelines, 2015. Collection method: clinical testing. Allele origin: unknown.

Eurofins Ntd Llc (ga)
Classification: Uncertain significance. Last evaluated: 2017-11-14. Review status: criteria provided, single submitter. Criteria: EGL Classification Definitions 2015. Collection method: clinical testing. Allele origin: germline. Observed: 1 variant allele, 1 heterozygote.

Laboratory for Molecular Medicine, Mass General Brigham Personalized Medicine
Classification: Uncertain significance. Last evaluated: 2012-05-24. Review status: criteria provided, single submitter. Criteria: LMM Criteria. Collection method: clinical testing. Allele origin: germline. Observed: 1 variant allele.
Comment: The Val14559Phe variant in TTN has not been reported in the literature nor previ ously identified by our laboratory. This variant has not been identified in a ve ry large and broad population by the NHLBI Exome Sequencing Project (.). This low frequency is consistent with a disease causing role, but insufficient to establish this with confidence. Valine at position 145 59 is not well conserved in evolution, suggesting that a change may be tolerated . Other computational analyses (biochemical amino acid properties, AlignGVGD, Po lyPhen2, and SIFT) do not provide strong support for or against an impact to the protein. Additional information is needed to fully assess the clinical signific ance of the Val14559Phe variant.

Clinical Genetics, Academic Medical Center
Classification: Uncertain significance. Review status: no assertion criteria provided. Collection method: clinical testing. Allele origin: germline. Affected: yes. Study: VKGL Data-share Consensus. Not counted in ClinVar's aggregate classification.

Genome Diagnostics Laboratory, University Medical Center Utrecht
Classification: Uncertain significance. Review status: no assertion criteria provided. Collection method: clinical testing. Allele origin: germline. Affected: yes. Study: VKGL Data-share Consensus. Not counted in ClinVar's aggregate classification.

NM_001267550.2(TTN):c.51379G>T (p.Val17127Phe)

Genes: TTN (titin; minus strand), TTN-AS1 (TTN antisense RNA 1; plus strand). Cytogenetic location: 2q31.2.
Variant type: single nucleotide variant.
Coding change: c.51379G>T on transcript NM_001267550.2 (MANE Select); coding-DNA position 51379, G replaced by T.
Protein change: p.Val17127Phe; replaces valine 17127 with phenylalanine.
Molecular consequence: missense variant.
Genome position (GRCh38, 1-based): chr2:178,610,147, C>A on the plus strand (G>T on the coding strand, the complement: TTN is on the minus strand). VCF-style: chr2-178610147-C-A. GRCh37 (hg19) VCF-style: chr2-179474874-C-A.
Other names: c.43675G>T, p.Val14559Phe (NM_133378.4); c.46456G>T, p.Val15486Phe (NM_001256850.1); c.24184G>T, p.Val8062Phe (NM_003319.4); c.24559G>T, p.Val8187Phe (NM_133432.3); c.24760G>T, p.Val8254Phe (NM_133437.4); short protein forms V17127F, V14559F, V15486F, V8062F, V8187F, V8254F.
Identifiers: ClinVar variation 47052 (VCV000047052.12), dbSNP rs397517603, ClinGen allele CA139867.